The following is an entry in ClinVar:

NM_002900.3(RBP3):c.3451G>A (p.Ala1151Thr)

Gene: RBP3 (retinol binding protein 3; plus strand). Cytogenetic location: 10q11.22.
Variant type: single nucleotide variant.
Coding change: c.3451G>A on transcript NM_002900.3 (MANE Select); coding-DNA position 3451, G replaced by A.
Protein change: p.Ala1151Thr; replaces alanine 1151 with threonine.
Molecular consequence: missense variant.
Genome position (GRCh38, 1-based): chr10:47,357,164, G>A. VCF-style: chr10-47357164-G-A. GRCh37 (hg19) VCF-style: chr10-48382198-C-T.
Other names: short protein forms A1151T.
Identifiers: ClinVar variation 855646 (VCV000855646.10), dbSNP rs782249467, ClinGen allele CA5487042.

ClinVar aggregate classification (germline): Uncertain significance (1 of 4 stars; one submission).

Allele frequency attached by ClinVar (database versions not stated): ExAC 0.00001; gnomAD 0.00001; gnomAD exomes 0.00001.
gnomAD v4.1: 18 of 1,613,470 alleles (0.0011%); highest among the groups gnomAD compares: South Asian, 0.0022%; no homozygotes.

Submission:

Labcorp Genetics (formerly Invitae), Labcorp
Classification: Uncertain significance. Last evaluated: 2025-04-02. Review status: criteria provided, single submitter. Criteria: Invitae Variant Classification Sherloc (09022015). Collection method: clinical testing. Allele origin: germline.
Comment: This sequence change replaces alanine, which is neutral and non-polar, with threonine, which is neutral and polar, at codon 1151 of the RBP3 protein (p.Ala1151Thr). This variant is present in population databases (rs782249467, gnomAD 0.004%). This variant has not been reported in the literature in individuals affected with RBP3-related conditions. ClinVar contains an entry for this variant (Variation ID: 855646). Invitae Evidence Modeling of protein sequence and biophysical properties (such as structural, functional, and spatial information, amino acid conservation, physicochemical variation, residue mobility, and thermodynamic stability) has been performed for this missense variant. However, the output from this modeling did not meet the statistical confidence thresholds required to predict the impact of this variant on RBP3 protein function. In summary, the available evidence is currently insufficient to determine the role of this variant in disease. Therefore, it has been classified as a Variant of Uncertain Significance.